The following is an entry in ClinVar:

NM_005751.5(AKAP9):c.6508-312A>C

Gene: AKAP9 (A-kinase anchoring protein 9; plus strand). Cytogenetic location: 7q21.2.
Variant type: single nucleotide variant.
Coding change: c.6508-312A>C on transcript NM_005751.5 (MANE Select); 312 bases into the intron before coding-DNA position 6508, A replaced by C.
Molecular consequence: intron variant.
Genome position (GRCh38, 1-based): chr7:92,070,593, A>C. VCF-style: chr7-92070593-A-C. GRCh37 (hg19) VCF-style: chr7-91699907-A-C.
Other names: c.6484-312A>C (NM_147185.3); c.1153-312A>C (NM_001379277.1).
Identifiers: ClinVar variation 682753 (VCV000682753.1), dbSNP rs10280310, ClinGen allele CA12475500.

ClinVar aggregate classification (germline): Benign (1 of 4 stars; one submission).

Allele frequency attached by ClinVar (database versions not stated): 1000 Genomes Project 0.42412; 1000 Genomes Project 30x 0.43239; TOPMed 0.45622; gnomAD 0.45836.
gnomAD v4.1: 68,356 of 151,536 alleles (45%); highest among the groups gnomAD compares: African/African-American, 63%; 16,506 homozygotes.

Submission:

GeneDx
Classification: Benign. Last evaluated: 2018-06-18. Review status: criteria provided, single submitter. Criteria: GeneDx Variant Classification (06012015). Collection method: clinical testing. Allele origin: germline. Affected: yes.
Comment: This variant is considered likely benign or benign based on one or more of the following criteria: it is a conservative change, it occurs at a poorly conserved position in the protein, it is predicted to be benign by multiple in silico algorithms, and/or has population frequency not consistent with disease.